The following is an entry in ClinVar:

NM_001042545.2(LTBP4):c.3908C>T (p.Ala1303Val)

Gene: LTBP4 (latent transforming growth factor beta binding protein 4; plus strand). Cytogenetic location: 19q13.2.
Variant type: single nucleotide variant.
Coding change: c.3908C>T on transcript NM_001042545.2 (MANE Select); coding-DNA position 3908, C replaced by T.
Protein change: p.Ala1303Val; replaces alanine 1303 with valine.
Molecular consequence: missense variant.
Genome position (GRCh38, 1-based): chr19:40,625,932, C>T. VCF-style: chr19-40625932-C-T. GRCh37 (hg19) VCF-style: chr19-41131837-C-T.
Other names: c.4109C>T, p.Ala1370Val (NM_001042544.1); c.3998C>T, p.Ala1333Val (NM_003573.2); short protein forms A1303V, A1370V, A1333V.
Identifiers: ClinVar variation 1355810 (VCV001355810.6), dbSNP rs201614181, ClinGen allele CA9449174.

ClinVar aggregate classification (germline): Uncertain significance. Review status: criteria provided, multiple submitters, no conflicts (2 of 4 stars). 2 submissions from 2 submitters: Uncertain significance (2). Last evaluated 2024-06-27.

Allele frequency attached by ClinVar (database versions not stated): gnomAD exomes 0.00002; ESP Exome Variant Server 0.00046.
gnomAD v4.1: 70 of 1,605,158 alleles (0.0044%); highest among the groups gnomAD compares: African/African-American, 0.087%; no homozygotes.

Submissions (2):

GeneDx
Classification: Uncertain significance. Last evaluated: 2024-06-27. Review status: criteria provided, single submitter. Criteria: GeneDx Variant Classification Process June 2021. Collection method: clinical testing. Allele origin: germline. Affected: yes.
Comment: In silico analysis supports that this missense variant has a deleterious effect on protein structure/function; Has not been previously published as pathogenic or benign to our knowledge

Labcorp Genetics (formerly Invitae), Labcorp
Classification: Uncertain significance. Last evaluated: 2023-02-15. Review status: criteria provided, single submitter. Criteria: Invitae Variant Classification Sherloc (09022015). Collection method: clinical testing. Allele origin: germline.
Comment: In summary, the available evidence is currently insufficient to determine the role of this variant in disease. Therefore, it has been classified as a Variant of Uncertain Significance. Experimental studies and prediction algorithms are not available or were not evaluated, and the functional significance of this variant is currently unknown. ClinVar contains an entry for this variant (Variation ID: 1355810). This variant has not been reported in the literature in individuals affected with LTBP4-related conditions. This variant is present in population databases (rs201614181, gnomAD 0.09%). This sequence change replaces alanine, which is neutral and non-polar, with valine, which is neutral and non-polar, at codon 1333 of the LTBP4 protein (p.Ala1333Val).